The following is an entry in ClinVar:

NM_138694.4(PKHD1):c.2134G>C (p.Val712Leu)

Gene: PKHD1 (PKHD1 ciliary IPT domain containing fibrocystin/polyductin; minus strand). Cytogenetic location: 6p12.2.
Variant type: single nucleotide variant.
Coding change: c.2134G>C on transcript NM_138694.4 (MANE Select); coding-DNA position 2134, G replaced by C.
Protein change: p.Val712Leu; replaces valine 712 with leucine.
Molecular consequence: missense variant.
Genome position (GRCh38, 1-based): chr6:52,053,082, C>G on the plus strand (G>C on the coding strand, the complement: PKHD1 is on the minus strand). VCF-style: chr6-52053082-C-G. GRCh37 (hg19) VCF-style: chr6-51917880-C-G.
Other names: c.2134G>C, p.Val712Leu (NM_170724.3); short protein forms V712L.
Identifiers: ClinVar variation 289824 (VCV000289824.11), dbSNP rs144455663, ClinGen allele CA3853339.
Genomic context (GRCh38, chr6:52,053,082, plus strand): 5'-AGTTTGAGGTAGGCATGTGACCGGCTTGTGGAGGAGAGAGAATTTGATGATTACCTGTTA[C>G]GTTTGTGTCTGCAATAATAATTTCATCCACATAGAACAGGCCCGTCTCCTGGGCCAGAGG-3'
Protein context (NP_619639.3, residues 702-722): VDEIIIADTN[Val712Leu]TVSQADSGTA

ClinVar aggregate classification (germline): Conflicting classifications of pathogenicity. Review status: criteria provided, conflicting classifications (1 of 4 stars). 5 submissions from 5 submitters: Uncertain significance (4); Likely benign (1). Last evaluated 2026-07-25.

Conditions:
Polycystic kidney disease 4 (PKD4). Also called: POLYCYSTIC KIDNEY AND HEPATIC DISEASE 1; POLYCYSTIC KIDNEY DISEASE, INFANTILE, TYPE I; POLYCYSTIC KIDNEY DISEASE 4 WITH OR WITHOUT POLYCYSTIC LIVER DISEASE; PKD3; Autosomal Recessive Polycystic Kidney Disease – PKHD1. Identifiers: MedGen C4540575, MONDO:0033004, OMIM 263200.
PKHD1-related disorder. Also called: PKHD1-related condition.
Inborn genetic diseases. Identifiers: MedGen C0950123, MeSH D030342.

Allele frequency attached by ClinVar (database versions not stated): ExAC 0.00003; TOPMed 0.00009; ESP Exome Variant Server 0.00015.
gnomAD v4.1: 22 of 1,613,762 alleles (0.0014%); highest among the groups gnomAD compares: African/African-American, 0.021%; no homozygotes.

Submissions (5):

PreventionGenetics, part of Exact Sciences
Classification: Uncertain significance for PKHD1-related condition. Last evaluated: 2026-07-25. Review status: criteria provided, single submitter. Criteria: ACMG Guidelines, 2015. Collection method: clinical testing. Allele origin: germline.
Comment: The PKHD1 c.2134G>C variant is predicted to result in the amino acid substitution p.Val712Leu. To our knowledge, this variant has not been reported in the literature. This variant is reported in 0.020% of alleles in individuals of African descent in gnomAD. At this time, the clinical significance of this variant is uncertain due to the absence of conclusive functional and genetic evidence.

Ambry Genetics
Classification: Likely benign for Inborn genetic diseases. Last evaluated: 2023-12-16. Review status: criteria provided, single submitter. Criteria: Ambry Variant Classification Scheme 2023. Collection method: clinical testing. Allele origin: germline.

GeneDx
Classification: Uncertain significance. Last evaluated: 2022-04-29. Review status: criteria provided, single submitter. Criteria: GeneDx Variant Classification Process June 2021. Collection method: clinical testing. Allele origin: germline. Affected: yes.
Comment: In silico analysis supports that this missense variant does not alter protein structure/function; Has not been previously published as pathogenic or benign to our knowledge

Fulgent Genetics
Classification: Uncertain significance for Polycystic kidney disease 4. Last evaluated: 2022-02-28. Review status: criteria provided, single submitter. Criteria: ACMG Guidelines, 2015. Collection method: clinical testing. Allele origin: unknown.

Eurofins Ntd Llc (ga)
Classification: Uncertain significance. Last evaluated: 2016-07-26. Review status: criteria provided, single submitter. Criteria: EGL Classification Definitions 2015. Collection method: clinical testing. Allele origin: germline. Observed: 1 variant allele, 1 heterozygote.